The following is an entry in ClinVar:

NM_001283009.2(RTEL1):c.3138del (p.Ser1047fs)

Genes: RTEL1 (regulator of telomere elongation helicase 1; plus strand), RTEL1-TNFRSF6B (RTEL1-TNFRSF6B readthrough (NMD candidate); plus strand). Cytogenetic location: 20q13.33.
Variant type: Deletion.
Coding change: c.3138del on transcript NM_001283009.2 (MANE Select); coding-DNA position 3138, one base deleted (G; older notation c.3138delG).
Protein change: p.Ser1047fs; shifts the reading frame from serine 1047.
Molecular consequence: frameshift variant. On other transcripts: non-coding transcript variant (1).
Genome position (GRCh38, 1-based): chr20:63,694,769, G deleted; the last of 5 consecutive G bases (chr20:63,694,765-63,694,769); deleting any one gives the same sequence. VCF-style (leftmost placement, unchanged base first): chr20-63694764-TG-T. GRCh37 (hg19) VCF-style: chr20-62326117-TG-T.
Other names: c.2469del, p.Ser824fs (NM_001283010.1); c.3138del, p.Ser1047fs (NM_016434.4); c.3210del, p.Ser1071fs (NM_032957.5); short protein forms S1047fs, S1071fs, S824fs.
Identifiers: ClinVar variation 1076662 (VCV001076662.13), dbSNP rs1555814207, ClinGen allele CA2499225837.

ClinVar aggregate classification (germline): Pathogenic/Likely pathogenic. Review status: criteria provided, multiple submitters, no conflicts (2 of 4 stars). 2 submissions from 2 submitters: Pathogenic (1); Likely pathogenic (1). Last evaluated 2022-07-30.

Conditions:
Dyskeratosis congenita, autosomal recessive 5 (DKCB5). Identifiers: MedGen C3554656, MONDO:0014076, OMIM 615190.
Pulmonary fibrosis and/or bone marrow failure, Telomere-related, 3. Also called: PULMONARY FIBROSIS AND/OR BONE MARROW FAILURE SYNDROME, TELOMERE-RELATED, 3. Identifiers: Orphanet 2032, MedGen C4225346, MONDO:0014613, OMIM 616373.

Submissions (2):

Labcorp Genetics (formerly Invitae), Labcorp
Classification: Pathogenic for Dyskeratosis congenita, autosomal recessive 5; Pulmonary fibrosis and/or bone marrow failure, Telomere-related, 3. Last evaluated: 2022-07-30. Review status: criteria provided, single submitter. Criteria: Invitae Variant Classification Sherloc (09022015). Collection method: clinical testing. Allele origin: germline.
Comment: This sequence change creates a premature translational stop signal (p.Ser1047Leufs*14) in the RTEL1 gene. It is expected to result in an absent or disrupted protein product. Loss-of-function variants in RTEL1 are known to be pathogenic (PMID: 23453664, 23959892, 25607374). This variant is not present in population databases (gnomAD no frequency). This variant has not been reported in the literature in individuals affected with RTEL1-related conditions. ClinVar contains an entry for this variant (Variation ID: 1076662). For these reasons, this variant has been classified as Pathogenic.

Baylor Genetics
Classification: Likely pathogenic for Dyskeratosis congenita, autosomal recessive 5. Last evaluated: 2022-04-27. Review status: criteria provided, single submitter. Criteria: ACMG Guidelines, 2015. Collection method: clinical testing. Allele origin: unknown.

Literature cited by the submitters: PubMed 23453664 (cited by Labcorp Genetics (formerly Invitae), Labcorp); PubMed 23959892 (cited by Labcorp Genetics (formerly Invitae), Labcorp); PubMed 25607374 (cited by Labcorp Genetics (formerly Invitae), Labcorp).